The following is an entry in ClinVar:

NM_001135649.3(FOXI3):c.29G>C (p.Gly10Ala)

Gene: FOXI3 (forkhead box I3; minus strand). Cytogenetic location: 2p11.2.
Variant type: single nucleotide variant.
Coding change: c.29G>C on transcript NM_001135649.3 (MANE Select); coding-DNA position 29, G replaced by C.
Protein change: p.Gly10Ala; replaces glycine 10 with alanine.
Molecular consequence: missense variant.
Genome position (GRCh38, 1-based): chr2:88,452,507, C>G on the plus strand (G>C on the coding strand, the complement: FOXI3 is on the minus strand). VCF-style: chr2-88452507-C-G. GRCh37 (hg19) VCF-style: chr2-88752025-C-G.
Other names: short protein forms G10A.
Identifiers: ClinVar variation 4765284 (VCV004765284.1).

ClinVar aggregate classification (germline): Uncertain significance (1 of 4 stars; one submission).

gnomAD v4.1: 1 of 1,085,874 alleles (0.000092%); highest among the groups gnomAD compares: Non-Finnish European, 0.00011%; no homozygotes.

Submission:

Labcorp Genetics (formerly Invitae), Labcorp
Classification: Uncertain significance. Last evaluated: 2025-07-24. Review status: criteria provided, single submitter. Criteria: Invitae Variant Classification Sherloc (09022015). Collection method: clinical testing. Allele origin: germline.
Comment: This sequence change replaces glycine, which is neutral and non-polar, with alanine, which is neutral and non-polar, at codon 10 of the FOXI3 protein (p.Gly10Ala). The frequency data for this variant in the population databases is considered unreliable, as metrics indicate insufficient coverage at this position in the gnomAD database. This variant has not been reported in the literature in individuals affected with FOXI3-related conditions. Experimental studies and prediction algorithms are not available or were not evaluated, and the functional significance of this variant is currently unknown. In summary, the available evidence is currently insufficient to determine the role of this variant in disease. Therefore, it has been classified as a Variant of Uncertain Significance.